The following is an entry in ClinVar:

NM_153240.5(NPHP3):c.2694-2A>T

Genes: NPHP3 (nephrocystin 3; minus strand), NPHP3-ACAD11 (NPHP3-ACAD11 readthrough (NMD candidate); minus strand). Cytogenetic location: 3q22.1.
Variant type: single nucleotide variant.
Coding change: c.2694-2A>T on transcript NM_153240.5 (MANE Select); the canonical splice acceptor site of the intron before coding-DNA position 2694, A replaced by T.
Molecular consequence: splice acceptor variant.
Genome position (GRCh38, 1-based): chr3:132,689,265, T>A on the plus strand (A>T on the coding strand, the complement: NPHP3 is on the minus strand). VCF-style: chr3-132689265-T-A. GRCh37 (hg19) VCF-style: chr3-132408109-T-A.
Identifiers: ClinVar variation 1524627 (VCV001524627.8), dbSNP rs1395411307, ClinGen allele CA354580697.

ClinVar aggregate classification (germline): Likely pathogenic (1 of 4 stars; one submission).

Conditions:
Nephronophthisis. Also called: Juvenile Nephronophthisis. Identifiers: Orphanet 655, MedGen C0687120, MONDO:0019005, HP:0000090.

Allele frequency attached by ClinVar (database versions not stated): gnomAD 0.00001; TOPMed 0.00001.
gnomAD v4.1: 1 of 1,613,166 alleles (0.000062%); highest among the groups gnomAD compares: Non-Finnish European, 0.000085%; no homozygotes.

Submission:

Labcorp Genetics (formerly Invitae), Labcorp
Classification: Likely pathogenic for Nephronophthisis. Last evaluated: 2020-11-06. Review status: criteria provided, single submitter. Criteria: Invitae Variant Classification Sherloc (09022015). Collection method: clinical testing. Allele origin: germline.
Comment: Algorithms developed to predict the effect of sequence changes on RNA splicing suggest that this variant may disrupt the consensus splice site, but this prediction has not been confirmed by published transcriptional studies. In summary, the currently available evidence indicates that the variant is pathogenic, but additional data are needed to prove that conclusively. Therefore, this variant has been classified as Likely Pathogenic. This variant has not been reported in the literature in individuals with NPHP3-related conditions. This variant is not present in population databases (ExAC no frequency). This sequence change affects an acceptor splice site in intron 19 of the NPHP3 gene. It is expected to disrupt RNA splicing. Variants that disrupt the donor or acceptor splice site typically lead to a loss of protein function (PMID: 16199547), and loss-of-function variants in NPHP3 are known to be pathogenic (PMID: 18371931, 23559409).

Literature cited by the submitters: PubMed 16199547; PubMed 18371931; PubMed 23559409.